The following is an entry in ClinVar:

ClinVar aggregate classification (germline): Uncertain significance (1 of 4 stars; one submission).

Conditions:
Norman-Roberts syndrome (LIS2). Also called: Lissencephaly 2 (Norman-Roberts type). Identifiers: Orphanet 89844, MedGen C0796089, MONDO:0009760, OMIM 257320.
Familial temporal lobe epilepsy 7. Identifiers: Orphanet 101046, MedGen C4225327, MONDO:0014639, OMIM 616436.

Submission:

Labcorp Genetics (formerly Invitae), Labcorp
Classification: Uncertain significance for Familial temporal lobe epilepsy 7; Norman-Roberts syndrome. Last evaluated: 2025-06-12. Review status: criteria provided, single submitter. Criteria: Invitae Variant Classification Sherloc (09022015). Collection method: clinical testing. Allele origin: germline.
Comment: This sequence change replaces isoleucine, which is neutral and non-polar, with leucine, which is neutral and non-polar, at codon 2999 of the RELN protein (p.Ile2999Leu). This variant is not present in population databases (gnomAD no frequency). This variant has not been reported in the literature in individuals affected with RELN-related conditions. ClinVar contains an entry for this variant (Variation ID: 3752396). Invitae Evidence Modeling of protein sequence and biophysical properties (such as structural, functional, and spatial information, amino acid conservation, physicochemical variation, residue mobility, and thermodynamic stability) indicates that this missense variant is not expected to disrupt RELN protein function with a negative predictive value of 80%. In summary, the available evidence is currently insufficient to determine the role of this variant in disease. Therefore, it has been classified as a Variant of Uncertain Significance.

NM_005045.4(RELN):c.8995A>C (p.Ile2999Leu)

Genes: SLC26A5-AS1 (SLC26A5 antisense RNA 1; plus strand), RELN (reelin; minus strand). Cytogenetic location: 7q22.1.
Variant type: single nucleotide variant.
Coding change: c.8995A>C on transcript NM_005045.4 (MANE Select); coding-DNA position 8995, A replaced by C.
Protein change: p.Ile2999Leu; replaces isoleucine 2999 with leucine.
Molecular consequence: missense variant.
Genome position (GRCh38, 1-based): chr7:103,496,724, T>G on the plus strand (A>C on the coding strand, the complement: RELN is on the minus strand). VCF-style: chr7-103496724-T-G. GRCh37 (hg19) VCF-style: chr7-103137171-T-G.
Other names: c.8995A>C, p.Ile2999Leu (NM_173054.3); short protein forms I2999L.
Identifiers: ClinVar variation 3752396 (VCV003752396.2).